The following is an entry in ClinVar:

ClinVar aggregate classification (germline): Conflicting classifications of pathogenicity. Review status: criteria provided, conflicting classifications (1 of 4 stars). 4 submissions from 4 submitters: Likely pathogenic (2); Uncertain significance (2). Last evaluated 2025-06-10.

Conditions:
Mucopolysaccharidosis, MPS-IV-B (MPS4B). Also called: Mucopolysaccharidosis Type IVB; Mucopolysaccharidosis type IV B; Mucopolysaccharidosis Type IVB (Morquio B Disease); Mucopolysaccharidosis type IVB (Morquio); MPS IVB; Mucopolysaccharidosis type 4B. Identifiers: Orphanet 309310, Orphanet 582, MedGen C0086652, MONDO:0009660, OMIM 253010.
GM1 gangliosidosis. Identifiers: Orphanet 354, MedGen C0085131, MONDO:0018149.

Allele frequency attached by ClinVar (database versions not stated): TOPMed below 0.00001; gnomAD 0.00001; gnomAD exomes 0.00001 and 0.00002; ExAC 0.00003; ESP Exome Variant Server 0.00008.

Submissions (4):

Women's Health and Genetics/Laboratory Corporation of America, LabCorp
Classification: Uncertain significance. Last evaluated: 2025-06-10. Review status: criteria provided, single submitter. Criteria: LabCorp Variant Classification Summary - May 2015. Collection method: clinical testing. Allele origin: germline.
Comment: Variant summary: GLB1 c.809A>G (p.Tyr270Cys) results in a non-conservative amino acid change located in the Glycoside hydrolase 35, catalytic domain (IPR031330) of the encoded protein sequence. Algorithms developed to predict the effect of missense changes on protein structure and function all suggest that this variant is likely to be disruptive. The variant allele was found at a frequency of 1.6e-05 in 249476 control chromosomes. The available data on variant occurrences in the general population are insufficient to allow any conclusion about variant significance. To our knowledge, no occurrence of c.809A>G in individuals affected with Mucopolysaccharidosis Type IVB (Morquio Syndrome B) and no experimental evidence demonstrating its impact on protein function have been reported. A different variant affecting the same codon has been classified as likely pathogenic/pathogenic by our lab (c.808T>G, p.Tyr270Asp), supporting the critical relevance of codon 270 to GLB1 protein function, however additional evidence is needed to make unequivocal conclusions about this variant. ClinVar contains an entry for this variant (Variation ID: 198726). Based on the evidence outlined above, the variant was classified as uncertain significance.

Illumina Laboratory Services, Illumina
Classification: Uncertain significance for GM1 gangliosidosis. Last evaluated: 2024-02-29. Review status: criteria provided, single submitter. Criteria: ISL SNV Classification Criteria 03 February 2026. Collection method: clinical testing. Allele origin: unknown.
Comment: The GLB1 c.809A>G p.(Tyr270Cys) missense variant has not, to our knowledge, been reported in the peer-reviewed literature. However, a different amino acid substitution at the same codon p.(Tyr270Asp) has been reported in individuals with mucopolysaccharidosis type IVB (Morquio Syndrome B) and GM1 gangliosidosis (ClinVar). The c.809A>G p.(Tyr270Cys) variant is not observed at a significant frequency in version 2.1.1 or version 4.0.0 of the Genome Aggregation Database. Multiple lines of computational evidence suggest the variant may impact the gene or gene product. Based on the available evidence, the c.809A>G p.(Tyr270Cys) variant is classified as a variant of uncertain significance for GM1 gangliosidosis.

Labcorp Genetics (formerly Invitae), Labcorp
Classification: Likely pathogenic for Mucopolysaccharidosis, MPS-IV-B; GM1 gangliosidosis. Last evaluated: 2024-02-08. Review status: criteria provided, single submitter. Criteria: Invitae Variant Classification Sherloc (09022015). Collection method: clinical testing. Allele origin: germline.
Comment: This sequence change replaces tyrosine, which is neutral and polar, with cysteine, which is neutral and slightly polar, at codon 270 of the GLB1 protein (p.Tyr270Cys). This variant is present in population databases (rs371546950, gnomAD 0.01%). This variant has not been reported in the literature in individuals affected with GLB1-related conditions. ClinVar contains an entry for this variant (Variation ID: 198726). Advanced modeling of protein sequence and biophysical properties (such as structural, functional, and spatial information, amino acid conservation, physicochemical variation, residue mobility, and thermodynamic stability) performed at Invitae indicates that this missense variant is expected to disrupt GLB1 protein function with a positive predictive value of 95%. This variant disrupts the p.Tyr270 amino acid residue in GLB1. Other variant(s) that disrupt this residue have been determined to be pathogenic (PMID: 11511921, 19472408, 21520340). This suggests that this residue is clinically significant, and that variants that disrupt this residue are likely to be disease-causing. In summary, the currently available evidence indicates that the variant is pathogenic, but additional data are needed to prove that conclusively. Therefore, this variant has been classified as Likely Pathogenic.

Eurofins Ntd Llc (ga)
Classification: Likely pathogenic. Last evaluated: 2017-04-12. Review status: criteria provided, single submitter. Criteria: EGL Classification Definitions 2015. Collection method: clinical testing. Allele origin: germline. Observed: 2 variant alleles, 1 heterozygote, 1 homozygote.

Literature cited by the submitters: PubMed 11511921 (cited by Labcorp Genetics (formerly Invitae), Labcorp); PubMed 19472408 (cited by Labcorp Genetics (formerly Invitae), Labcorp); PubMed 21520340 (cited by Labcorp Genetics (formerly Invitae), Labcorp).

NM_000404.4(GLB1):c.809A>G (p.Tyr270Cys)

Gene: GLB1 (galactosidase beta 1; minus strand). Cytogenetic location: 3p22.3.
Variant type: single nucleotide variant.
Coding change: c.809A>G on transcript NM_000404.4 (MANE Select); coding-DNA position 809, A replaced by G.
Protein change: p.Tyr270Cys; replaces tyrosine 270 with cysteine.
Molecular consequence: missense variant.
Genome position (GRCh38, 1-based): chr3:33,051,988, T>C on the plus strand (A>G on the coding strand, the complement: GLB1 is on the minus strand). VCF-style: chr3-33051988-T-C. GRCh37 (hg19) VCF-style: chr3-33093480-T-C.
Other names: c.809A>G (NM_000404.3); c.719A>G, p.Tyr240Cys (NM_001079811.3); c.416A>G, p.Tyr139Cys (NM_001135602.3); c.953A>G, p.Tyr318Cys (NM_001317040.2); c.809A>G, p.Tyr270Cys (NM_001393580.1); short protein forms Y270C, Y139C, Y240C, Y318C.
Identifiers: ClinVar variation 198726 (VCV000198726.14), dbSNP rs371546950, ClinGen allele CA203575.